The following is an entry in ClinVar:

ClinVar aggregate classification (germline): Uncertain significance. Review status: criteria provided, multiple submitters, no conflicts (2 of 4 stars). 2 submissions from 2 submitters: Uncertain significance (2). Last evaluated 2022-06-20.

Allele frequency attached by ClinVar (database versions not stated): gnomAD exomes below 0.00001; ExAC 0.00001.
gnomAD v4.1: 2 of 1,614,206 alleles (0.00012%); highest among the groups gnomAD compares: Non-Finnish European, 0.00017%; no homozygotes.

Submissions (2):

Blueprint Genetics
Classification: Uncertain significance. Last evaluated: 2022-06-20. Review status: criteria provided, single submitter. Criteria: ACMG Guidelines, 2015. Collection method: clinical testing. Allele origin: germline.

Labcorp Genetics (formerly Invitae), Labcorp
Classification: Uncertain significance. Last evaluated: 2022-01-20. Review status: criteria provided, single submitter. Criteria: Invitae Variant Classification Sherloc (09022015). Collection method: clinical testing. Allele origin: germline.
Comment: In summary, the available evidence is currently insufficient to determine the role of this variant in disease. Therefore, it has been classified as a Variant of Uncertain Significance. Algorithms developed to predict the effect of missense changes on protein structure and function (SIFT, PolyPhen-2, Align-GVGD) all suggest that this variant is likely to be tolerated. This variant has not been reported in the literature in individuals affected with CACNA1D-related conditions. This variant is present in population databases (rs774878323, gnomAD 0.0009%). This sequence change replaces serine, which is neutral and polar, with phenylalanine, which is neutral and non-polar, at codon 98 of the CACNA1D protein (p.Ser98Phe).

NM_001128840.3(CACNA1D):c.293C>T (p.Ser98Phe)

Gene: CACNA1D (calcium voltage-gated channel subunit alpha1 D; plus strand). Cytogenetic location: 3p21.1.
Variant type: single nucleotide variant.
Coding change: c.293C>T on transcript NM_001128840.3 (MANE Select); coding-DNA position 293, C replaced by T.
Protein change: p.Ser98Phe; replaces serine 98 with phenylalanine.
Molecular consequence: missense variant.
Genome position (GRCh38, 1-based): chr3:53,497,377, C>T. VCF-style: chr3-53497377-C-T. GRCh37 (hg19) VCF-style: chr3-53531404-C-T.
Other names: c.293C>T, p.Ser98Phe (NM_000720.4, NM_001128839.3); short protein forms S98F.
Identifiers: ClinVar variation 2088280 (VCV002088280.5), dbSNP rs774878323, ClinGen allele CA2453653.
Genomic context (GRCh38, chr3:53,497,377, plus strand): 5'-GATCTCTCTCCCAAAGAAAACGTCAGCAATACGCCAAGAGCAAAAAACAGGGTAACTCGT[C>T]CAACAGCCGACCTGCCCGCGCCCTTTTCTGTTTATCACTCAATAACCCCATCCGAAGAGC-3'
Protein context (NP_001122312.1, residues 88-108): YAKSKKQGNS[Ser98Phe]NSRPARALFC